The following is an entry in ClinVar:

NM_000393.5(COL5A2):c.3395A>T (p.Asp1132Val)

Gene: COL5A2 (collagen type V alpha 2 chain; minus strand). Cytogenetic location: 2q32.2.
Variant type: single nucleotide variant.
Coding change: c.3395A>T on transcript NM_000393.5 (MANE Select); coding-DNA position 3395, A replaced by T.
Protein change: p.Asp1132Val; replaces aspartic acid 1132 with valine.
Molecular consequence: missense variant.
Genome position (GRCh38, 1-based): chr2:189,043,227, T>A on the plus strand (A>T on the coding strand, the complement: COL5A2 is on the minus strand). VCF-style: chr2-189043227-T-A. GRCh37 (hg19) VCF-style: chr2-189907953-T-A.
Other names: short protein forms D1132V.
Identifiers: ClinVar variation 3369544 (VCV003369544.1).

ClinVar aggregate classification (germline): Uncertain significance (1 of 4 stars; one submission).

Submission:

GeneDx
Classification: Uncertain significance. Last evaluated: 2024-02-23. Review status: criteria provided, single submitter. Criteria: GeneDx Variant Classification Process June 2021. Collection method: clinical testing. Allele origin: germline. Affected: yes.
Comment: Not observed at significant frequency in large population cohorts (gnomAD); In silico analysis supports that this missense variant has a deleterious effect on protein structure/function; Has not been previously published as pathogenic or benign to our knowledge